The following is an entry in ClinVar:

ClinVar aggregate classification (germline): Uncertain significance (1 of 4 stars; one submission).

Allele frequency attached by ClinVar (database versions not stated): gnomAD exomes 0.00001; TOPMed 0.00003.
gnomAD v4.1: 7 of 1,600,178 alleles (0.00044%); highest among the groups gnomAD compares: South Asian, 0.0011%; no homozygotes.

Submission:

Labcorp Genetics (formerly Invitae), Labcorp
Classification: Uncertain significance. Last evaluated: 2024-03-15. Review status: criteria provided, single submitter. Criteria: Invitae Variant Classification Sherloc (09022015). Collection method: clinical testing. Allele origin: germline.
Comment: This sequence change replaces aspartic acid, which is acidic and polar, with glycine, which is neutral and non-polar, at codon 52 of the TMED7 protein (p.Asp52Gly). The frequency data for this variant in the population databases is considered unreliable, as metrics indicate poor data quality at this position in the gnomAD database. This variant has not been reported in the literature in individuals affected with TMED7-related conditions. An algorithm developed to predict the effect of missense changes on protein structure and function (PolyPhen-2) suggests that this variant is likely to be tolerated. In summary, the available evidence is currently insufficient to determine the role of this variant in disease. Therefore, it has been classified as a Variant of Uncertain Significance.

NM_181836.6(TMED7):c.155A>G (p.Asp52Gly)

Genes: TMED7 (transmembrane p24 trafficking protein 7; minus strand), TMED7-TICAM2 (TMED7-TICAM2 readthrough; minus strand). Cytogenetic location: 5q22.3.
Variant type: single nucleotide variant.
Coding change: c.155A>G on transcript NM_181836.6 (MANE Select); coding-DNA position 155, A replaced by G.
Protein change: p.Asp52Gly; replaces aspartic acid 52 with glycine.
Molecular consequence: missense variant.
Genome position (GRCh38, 1-based): chr5:115,625,638, T>C on the plus strand (A>G on the coding strand, the complement: TMED7 is on the minus strand). VCF-style: chr5-115625638-T-C. GRCh37 (hg19) VCF-style: chr5-114961335-T-C.
Other names: c.155A>G, p.Asp52Gly (NM_001164468.4, NM_001164469.4); short protein forms D52G.
Identifiers: ClinVar variation 3000568 (VCV003000568.3), dbSNP rs759745882, ClinGen allele CA3375232.